The following is an entry in ClinVar:

ClinVar aggregate classification (germline): Benign/Likely benign. Review status: criteria provided, multiple submitters, no conflicts (2 of 4 stars). 6 submissions from 6 submitters: Benign (2); Likely benign (3). 1 of the submissions does not count toward it. Last evaluated 2026-02-01.

Conditions:
Cardiovascular phenotype. Identifiers: MedGen CN230736.
DiGeorge syndrome. Also called: THIRD AND FOURTH PHARYNGEAL POUCH SYNDROME; Catch22. Identifiers: Orphanet 567, MedGen C0012236, MONDO:0008564, OMIM 188400.
TBX1-related disorder. Also called: TBX1-Related Disorders; TBX1-related condition.

Allele frequency attached by ClinVar (database versions not stated): 1000 Genomes Project 30x 0.00016; 1000 Genomes Project 0.00020; gnomAD 0.00062 and 0.00064; TOPMed 0.00062; gnomAD exomes 0.00074 and 0.00095; ExAC 0.00084; ESP Exome Variant Server 0.00115.
gnomAD v4.1: 1,406 of 1,550,798 alleles (0.091%); highest among the groups gnomAD compares: Non-Finnish European, 0.11%; 2 homozygotes.

Submissions (6):

CeGaT Center for Human Genetics Tuebingen
Classification: Likely benign. Last evaluated: 2026-02-01. Review status: criteria provided, single submitter. Criteria: CeGaT Center For Human Genetics Tuebingen Variant Classification Criteria Version 2. Collection method: clinical testing. Allele origin: germline. Affected: yes. Observed: 2 variant alleles.
Comment: TBX1: BP4, BP7

Labcorp Genetics (formerly Invitae), Labcorp
Classification: Benign for DiGeorge syndrome. Last evaluated: 2025-12-15. Review status: criteria provided, single submitter. Criteria: Invitae Variant Classification Sherloc (09022015). Collection method: clinical testing. Allele origin: germline.

Ambry Genetics
Classification: Likely benign for Cardiovascular phenotype. Last evaluated: 2025-07-03. Review status: criteria provided, single submitter. Criteria: Ambry Variant Classification Scheme 2023. Collection method: clinical testing. Allele origin: germline.

Blueprint Genetics
Classification: Likely benign. Last evaluated: 2024-11-21. Review status: criteria provided, single submitter. Criteria: ACMG Guidelines, 2015. Collection method: clinical testing. Allele origin: germline.

GeneDx
Classification: Benign. Last evaluated: 2019-07-09. Review status: criteria provided, single submitter. Criteria: GeneDx Variant Classification Process June 2021. Collection method: clinical testing. Allele origin: germline. Affected: yes.
Comment: This variant is associated with the following publications: (PMID: 15060116)

PreventionGenetics, part of Exact Sciences
Classification: Likely benign for TBX1-related condition. Last evaluated: 2022-02-12. Review status: no assertion criteria provided. Collection method: clinical testing. Allele origin: germline. Not counted in ClinVar's aggregate classification.
Comment: This variant is classified as likely benign based on ACMG/AMP sequence variant interpretation guidelines (Richards et al. 2015 PMID: 25741868, with internal and published modifications).

NM_001379200.1(TBX1):c.348G>A (p.Val116=)

Gene: TBX1 (T-box transcription factor 1; plus strand). Cytogenetic location: 22q11.21.
Variant type: single nucleotide variant.
Coding change: c.348G>A on transcript NM_001379200.1 (MANE Select); coding-DNA position 348, G replaced by A.
Protein change: p.Val116=; no amino-acid change (valine 116 retained).
Molecular consequence: synonymous variant.
Genome position (GRCh38, 1-based): chr22:19,761,191, G>A. VCF-style: chr22-19761191-G-A. GRCh37 (hg19) VCF-style: chr22-19748714-G-A.
Other names: c.321G>A, p.Val107= (NM_005992.1, NM_080646.2, NM_080647.1).
Identifiers: ClinVar variation 695717 (VCV000695717.25), dbSNP rs148928907, ClinGen allele CA10102399.